The following is an entry in ClinVar:

NM_001384950.1(NLRC5):c.3248+56T>A

Gene: NLRC5 (NLR family CARD domain containing 5; plus strand). Cytogenetic location: 16q13.
Variant type: single nucleotide variant.
Coding change: c.3248+56T>A on transcript NM_001384950.1 (MANE Select); 56 bases into the intron after coding-DNA position 3248, T replaced by A.
Molecular consequence: intron variant.
Genome position (GRCh38, 1-based): chr16:57,045,548, T>A. VCF-style: chr16-57045548-T-A. GRCh37 (hg19) VCF-style: chr16-57079460-T-A.
Other names: c.3248+56T>A (NM_001384954.1, NM_001384953.1, NM_001384957.1 and 19 more transcripts); c.3164+56T>A (NM_001384960.1, NM_001384965.1); c.3008+56T>A (NM_001384972.1).
Identifiers: ClinVar variation 103174 (VCV000103174.2), dbSNP rs199475991, ClinGen allele CA230220.

ClinVar aggregate classification (germline): not provided (0 of 4 stars; one submission).

Submission:

Human Evolutionary Genetics, Institut Pasteur
No classification provided. Review status: no classification provided. Collection method: not provided. Allele origin: germline.
ClinVar note: Converted during submission from untested to not provided.